The following is an entry in ClinVar:

NM_005188.4(CBL):c.*4031C>G

Gene: CBL (Cbl proto-oncogene; plus strand). Cytogenetic location: 11q23.3.
Variant type: single nucleotide variant.
Coding change: c.*4031C>G on transcript NM_005188.4 (MANE Select); 4031 bases downstream of the stop codon, C replaced by G.
Molecular consequence: 3 prime UTR variant.
Genome position (GRCh38, 1-based): chr11:119,303,812, C>G. VCF-style: chr11-119303812-C-G. GRCh37 (hg19) VCF-style: chr11-119174522-C-G.
Identifiers: ClinVar variation 302842 (VCV000302842.29), dbSNP rs117973382, ClinGen allele CA10637908.
Genomic context (GRCh38, chr11:119,303,812, plus strand): 5'-TGGCTCAGAGTTGCACAGTAGGGCATTAAATGTTTAAGCAAAGCATCTGCCCACACTCCC[C>G]TTTCCAATCTAGTGCCTTCCTTGAACTTTTTCCTGAGCTGCTACGTCCCTAATCCCCCTT-3'

ClinVar aggregate classification (germline): Benign/Likely benign. Review status: criteria provided, multiple submitters, no conflicts (2 of 4 stars). 2 submissions from 2 submitters: Benign (1); Likely benign (1). Last evaluated 2023-04-01.

Conditions:
CBL-related disorder. Also called: NOONAN SYNDROME-LIKE DISORDER WITHOUT JUVENILE MYELOMONOCYTIC LEUKEMIA; CBL MUTATION-ASSOCIATED SYNDROME; CBL SYNDROME. Identifiers: Orphanet 363972, MedGen C3150803, MONDO:0013308, OMIM 613563.

Allele frequency attached by ClinVar (database versions not stated): 1000 Genomes Project 0.00040; 1000 Genomes Project 30x 0.00078; gnomAD 0.00308 and 0.00313; TOPMed 0.00325; gnomAD exomes 0.00376.
gnomAD v4.1: 764 of 233,712 alleles (0.33%); highest among the groups gnomAD compares: Non-Finnish European, 0.53%; 4 homozygotes.

Submissions (2):

CeGaT Center for Human Genetics Tuebingen
Classification: Likely benign. Last evaluated: 2023-04-01. Review status: criteria provided, single submitter. Criteria: CeGaT Center For Human Genetics Tuebingen Variant Classification Criteria Version 2. Collection method: clinical testing. Allele origin: germline. Affected: yes. Observed: 8 variant alleles.
Comment: CBL: BS2

Illumina Laboratory Services, Illumina
Classification: Benign for CBL-related disorder. Last evaluated: 2018-01-13. Review status: criteria provided, single submitter. Criteria: ICSL Variant Classification Criteria 13 December 2019. Collection method: clinical testing. Allele origin: germline.
Comment: This variant was observed in the ICSL laboratory as part of a predisposition screen in an ostensibly healthy population. It had not been previously curated by ICSL or reported in the Human Gene Mutation Database (HGMD: prior to June 1st, 2018), and was therefore a candidate for classification through an automated scoring system. Utilizing variant allele frequency, disease prevalence and penetrance estimates, and inheritance mode, an automated score was calculated to assess if this variant is too frequent to cause the disease. Based on the score and internal cut-off values, a variant classified as benign is not then subjected to further curation. The score for this variant resulted in a classification of benign for this disease.